The following is an entry in ClinVar:

NM_001111125.3(IQSEC2):c.2384G>A (p.Arg795Gln)

Gene: IQSEC2 (IQ motif and Sec7 domain ArfGEF 2; minus strand). Cytogenetic location: Xp11.22.
Variant type: single nucleotide variant.
Coding change: c.2384G>A on transcript NM_001111125.3 (MANE Select); coding-DNA position 2384, G replaced by A.
Protein change: p.Arg795Gln; replaces arginine 795 with glutamine.
Molecular consequence: missense variant.
Genome position (GRCh38, 1-based): chrX:53,248,796, C>T on the plus strand (G>A on the coding strand, the complement: IQSEC2 is on the minus strand). VCF-style: chrX-53248796-C-T. GRCh37 (hg19) VCF-style: chrX-53277978-C-T.
Other names: c.2384G>A (NM_001111125.2); c.1769G>A, p.Arg590Gln (NM_015075.2); short protein forms R590Q, R795Q.
Identifiers: ClinVar variation 1500688 (VCV001500688.10), dbSNP rs2147089214, ClinGen allele CA413158215.

ClinVar aggregate classification (germline): Uncertain significance. Review status: criteria provided, single submitter (1 of 4 stars). 2 submissions from 2 submitters: Uncertain significance (1). 1 of the submissions does not count toward it. Last evaluated 2022-07-11.

Conditions:
IQSEC2-related disorder. Also called: IQSEC2-related condition.
Intellectual developmental disorder, X-linked 1. Also called: Intellectual disability, X-linked 1; Atkin Flaitz Patil Smith syndrome; MENTAL RETARDATION, X-LINKED 18; MENTAL RETARDATION, X-LINKED 78. Identifiers: Orphanet 777, MedGen C2931498, MONDO:0010656, OMIM 309530.

Submissions (2):

Labcorp Genetics (formerly Invitae), Labcorp
Classification: Uncertain significance for Intellectual developmental disorder, X-linked 1. Last evaluated: 2022-07-11. Review status: criteria provided, single submitter. Criteria: Invitae Variant Classification Sherloc (09022015). Collection method: clinical testing. Allele origin: germline.
Comment: This variant has not been reported in the literature in individuals affected with IQSEC2-related conditions. This variant is not present in population databases (gnomAD no frequency). This sequence change replaces arginine, which is basic and polar, with glutamine, which is neutral and polar, at codon 795 of the IQSEC2 protein (p.Arg795Gln). ClinVar contains an entry for this variant (Variation ID: 1500688). In summary, the available evidence is currently insufficient to determine the role of this variant in disease. Therefore, it has been classified as a Variant of Uncertain Significance. Algorithms developed to predict the effect of sequence changes on RNA splicing suggest that this variant may create or strengthen a splice site. Algorithms developed to predict the effect of missense changes on protein structure and function are either unavailable or do not agree on the potential impact of this missense change (SIFT: "Tolerated"; PolyPhen-2: "Probably Damaging"; Align-GVGD: "Class C0").

PreventionGenetics, part of Exact Sciences
Classification: Uncertain significance for IQSEC2-related condition. Last evaluated: 2024-01-23. Review status: no assertion criteria provided. Collection method: clinical testing. Allele origin: germline. Not counted in ClinVar's aggregate classification.
Comment: The IQSEC2 c.2384G>A variant is predicted to result in the amino acid substitution p.Arg795Gln. To our knowledge, this variant has not been reported in the literature or in a large population database, indicating this variant is rare. Alternative variant at the same codon p.Arg795Trp has been observed in two individuals with neurodevelopmental disorder (patient 468, Table S2, Martin et al. 2021. PubMed ID: 33504798; patient 143, Table S10, van der Sanden et al. 2022. PubMed ID: 36114283). At this time, the clinical significance of this variant is uncertain due to the absence of conclusive functional and genetic evidence.